The following is an entry in ClinVar:

ClinVar aggregate classification (germline): Conflicting classifications of pathogenicity. Review status: criteria provided, conflicting classifications (1 of 4 stars). 5 submissions from 5 submitters: Uncertain significance (4); Likely benign (1). Last evaluated 2026-04-23.

Conditions:
ADGRV1-related disorder. Also called: ADGRV1-related disorders; ADGRV1-related condition.
Inborn genetic diseases. Identifiers: MedGen C0950123, MeSH D030342.

Allele frequency attached by ClinVar (database versions not stated): TOPMed 0.00008.
gnomAD v4.1: 211 of 1,613,614 alleles (0.013%); highest among the groups gnomAD compares: Admixed American, 0.02%; no homozygotes.

Submissions (5):

PreventionGenetics, part of Exact Sciences
Classification: Uncertain significance for ADGRV1-related condition. Last evaluated: 2026-04-23. Review status: criteria provided, single submitter. Criteria: ACMG Guidelines, 2015. Collection method: clinical testing. Allele origin: germline.
Comment: The ADGRV1 c.11827C>G variant is predicted to result in the amino acid substitution p.Arg3943Gly. To our knowledge, this variant has not been reported in the literature. This variant is reported in 0.060% of alleles in individuals of European (Finnish) descent in gnomAD. Although we suspect that this variant may be benign, at this time, the clinical significance of this variant is uncertain due to the absence of conclusive functional and genetic evidence.

Labcorp Genetics (formerly Invitae), Labcorp
Classification: Likely benign. Last evaluated: 2025-08-05. Review status: criteria provided, single submitter. Criteria: Invitae Variant Classification Sherloc (09022015). Collection method: clinical testing. Allele origin: germline.

GeneDx
Classification: Uncertain significance. Last evaluated: 2025-04-28. Review status: criteria provided, single submitter. Criteria: GeneDx Variant Classification Process June 2021. Collection method: clinical testing. Allele origin: germline. Affected: yes.
Comment: In silico analysis supports that this missense variant has a deleterious effect on protein structure/function; Has not been previously published as pathogenic or benign to our knowledge

Blueprint Genetics
Classification: Uncertain significance. Last evaluated: 2024-11-22. Review status: criteria provided, single submitter. Criteria: ACMG Guidelines, 2015. Collection method: clinical testing. Allele origin: germline.

Ambry Genetics
Classification: Uncertain significance for Inborn genetic diseases. Last evaluated: 2022-06-21. Review status: criteria provided, single submitter. Criteria: Ambry Variant Classification Scheme 2023. Collection method: clinical testing. Allele origin: germline.

NM_032119.4(ADGRV1):c.11827C>G (p.Arg3943Gly)

Gene: ADGRV1 (adhesion G protein-coupled receptor V1; plus strand). Cytogenetic location: 5q14.3.
Variant type: single nucleotide variant.
Coding change: c.11827C>G on transcript NM_032119.4 (MANE Select); coding-DNA position 11827, C replaced by G.
Protein change: p.Arg3943Gly; replaces arginine 3943 with glycine.
Molecular consequence: missense variant. On other transcripts: non-coding transcript variant (1).
Genome position (GRCh38, 1-based): chr5:90,757,048, C>G. VCF-style: chr5-90757048-C-G. GRCh37 (hg19) VCF-style: chr5-90052865-C-G.
Other names: short protein forms R3943G.
Identifiers: ClinVar variation 966169 (VCV000966169.11), dbSNP rs762677981, ClinGen allele CA3341060.
Genomic context (GRCh38, chr5:90,757,048, plus strand): 5'-GAAGTTATTACTGCCTATGAGGTGCCTCCACCCTTGAACGTTCTTCAAGTTCCTGTAGTC[C>G]GGCTGGCTGGAAGCTTTGGGGCAGTAAATGTTTATTGGAAAGCATCACCAGACAGTGCTG-3'
Protein context (NP_115495.3, residues 3933-3953): PLNVLQVPVV[Arg3943Gly]LAGSFGAVNV